The following is an entry in ClinVar:

NM_004369.4(COL6A3):c.3087C>T (p.Asp1029=)

Gene: COL6A3 (collagen type VI alpha 3 chain; minus strand). Cytogenetic location: 2q37.3.
Variant type: single nucleotide variant.
Coding change: c.3087C>T on transcript NM_004369.4 (MANE Select); coding-DNA position 3087, C replaced by T.
Protein change: p.Asp1029=; no amino-acid change (aspartic acid 1029 retained).
Molecular consequence: synonymous variant.
Genome position (GRCh38, 1-based): chr2:237,375,004, G>A on the plus strand (C>T on the coding strand, the complement: COL6A3 is on the minus strand). VCF-style: chr2-237375004-G-A. GRCh37 (hg19) VCF-style: chr2-238283647-G-A.
Other names: c.1866C>T, p.Asp622= (NM_057164.5); c.2469C>T, p.Asp823= (NM_057165.5, NM_057167.4); c.1266C>T, p.Asp422= (NM_057166.5).
Identifiers: ClinVar variation 94919 (VCV000094919.66), dbSNP rs113066678, ClinGen allele CA147941.

ClinVar aggregate classification (germline): Benign/Likely benign. Review status: criteria provided, multiple submitters, no conflicts (2 of 4 stars). 10 submissions from 10 submitters: Benign (4); Likely benign (3). 3 of the submissions do not count toward it. Last evaluated 2026-08-01.

Conditions:
COL6A3-related disorder. Also called: COL6A3-related disorders; COL6A3-related condition.
Collagen 6-related myopathy. Identifiers: MedGen CN117976, MONDO:0100225.
Bethlem myopathy 1A. Also called: Bethlem Muscular Dystrophy; MYOPATHY, BENIGN CONGENITAL, WITH CONTRACTURES; Bethlem myopathy 1. Identifiers: Orphanet 610, MedGen CN029274, MONDO:0024530, OMIM 158810.

Allele frequency attached by ClinVar (database versions not stated): gnomAD 0.00353 and 0.00359; gnomAD exomes 0.00357 and 0.00595; ExAC 0.00364; TOPMed 0.00369; ESP Exome Variant Server 0.00469; 1000 Genomes Project 0.00220; 1000 Genomes Project 30x 0.00234.
gnomAD v4.1: 9,260 of 1,613,724 alleles (0.57%); highest among the groups gnomAD compares: Non-Finnish European, 0.7%; 30 homozygotes.

Submissions (10):

CeGaT Center for Human Genetics Tuebingen
Classification: Likely benign. Last evaluated: 2026-08-01. Review status: criteria provided, single submitter. Criteria: CeGaT Center For Human Genetics Tuebingen Variant Classification Criteria Version 2. Collection method: clinical testing. Allele origin: germline. Affected: yes. Observed: 39 variant alleles.
Comment: COL6A3: BP4, BP7, BS2

Labcorp Genetics (formerly Invitae), Labcorp
Classification: Benign for Bethlem myopathy 1A. Last evaluated: 2026-01-27. Review status: criteria provided, single submitter. Criteria: Invitae Variant Classification Sherloc (09022015). Collection method: clinical testing. Allele origin: germline.

Blueprint Genetics
Classification: Likely benign. Last evaluated: 2024-11-26. Review status: criteria provided, single submitter. Criteria: ACMG Guidelines, 2015. Collection method: clinical testing. Allele origin: germline.

GeneDx
Classification: Benign. Last evaluated: 2019-05-22. Review status: criteria provided, single submitter. Criteria: GeneDx Variant Classification Process June 2021. Collection method: clinical testing. Allele origin: germline. Affected: yes.

Illumina Laboratory Services, Illumina
Classification: Benign for Collagen VI-related myopathy. Last evaluated: 2018-01-12. Review status: criteria provided, single submitter. Criteria: ICSL Variant Classification Criteria 13 December 2019. Collection method: clinical testing. Allele origin: germline.
Comment: This variant was observed in the ICSL laboratory as part of a predisposition screen in an ostensibly healthy population. It had not been previously curated by ICSL or reported in the Human Gene Mutation Database (HGMD: prior to June 1st, 2018), and was therefore a candidate for classification through an automated scoring system. Utilizing variant allele frequency, disease prevalence and penetrance estimates, and inheritance mode, an automated score was calculated to assess if this variant is too frequent to cause the disease. Based on the score and internal cut-off values, a variant classified as benign is not then subjected to further curation. The score for this variant resulted in a classification of benign for this disease.

Eurofins Ntd Llc (ga)
Classification: Benign. Last evaluated: 2012-11-05. Review status: criteria provided, single submitter. Criteria: EGL Classification Definitions 2015. Collection method: clinical testing. Allele origin: germline. Observed: 1 variant allele, 1 heterozygote.

Breakthrough Genomics
Classification: Likely benign. Review status: criteria provided, single submitter. Criteria: ACMG Guidelines, 2015. Collection method: not provided. Allele origin: germline. Inheritance: Autosomal recessive inheritance. Affected: yes.

PreventionGenetics, part of Exact Sciences
Classification: Benign for COL6A3-related condition. Last evaluated: 2023-03-14. Review status: no assertion criteria provided. Collection method: clinical testing. Allele origin: germline. Not counted in ClinVar's aggregate classification.
Comment: This variant is classified as benign based on ACMG/AMP sequence variant interpretation guidelines (Richards et al. 2015 PMID: 25741868, with internal and published modifications).

Clinical Genetics DNA and cytogenetics Diagnostics Lab, Erasmus MC, Erasmus Medical Center
Classification: Likely benign. Review status: no assertion criteria provided. Collection method: clinical testing. Allele origin: germline. Affected: yes. Study: VKGL Data-share Consensus. Not counted in ClinVar's aggregate classification.

Laboratory of Diagnostic Genome Analysis, Leiden University Medical Center (LUMC)
Classification: Likely benign. Review status: no assertion criteria provided. Collection method: clinical testing. Allele origin: germline. Affected: yes. Study: VKGL Data-share Consensus. Not counted in ClinVar's aggregate classification.